The following is an entry in ClinVar:

ClinVar aggregate classification (germline): Likely pathogenic (1 of 4 stars; one submission).

Conditions:
USP53-related disorder. Also called: USP53-related condition.

Submission:

PreventionGenetics, part of Exact Sciences
Classification: Likely pathogenic for USP53-related condition. Last evaluated: 2026-09-01. Review status: criteria provided, single submitter. Criteria: ACMG Guidelines, 2015. Collection method: clinical testing. Allele origin: germline.
Comment: The USP53 c.1204delC variant is predicted to result in a frameshift and premature protein termination (p.Gln402Argfs*24). To our knowledge, this variant has not been reported in the literature or in a large population database (gnomAD), indicating this variant is rare. Frameshift variants in USP53 are expected to be pathogenic. This variant is interpreted as likely pathogenic.

NM_001371395.1(USP53):c.1204del (p.Gln402fs)

Gene: USP53 (ubiquitin specific peptidase 53; plus strand). Cytogenetic location: 4q26.
Variant type: Deletion.
Coding change: c.1204del on transcript NM_001371395.1 (MANE Select); coding-DNA position 1204, one base deleted (C; older notation c.1204delC).
Protein change: p.Gln402fs; shifts the reading frame from glutamine 402.
Molecular consequence: frameshift variant. On other transcripts: intron variant (4).
Genome position (GRCh38, 1-based): chr4:119,268,336, C deleted. VCF-style (leftmost placement, unchanged base first): chr4-119268335-GC-G. GRCh37 (hg19) VCF-style: chr4-120189490-GC-G.
Other names: c.1204del, p.Gln402fs (NM_001371397.1, NM_001371398.1, NM_001371399.1 and 3 more transcripts); c.1054del, p.Gln352fs (NM_001389660.1); c.856del, p.Gln286fs (NM_001389662.1, NM_001389663.1, NM_001389664.1 and 1 more transcripts); c.1135+854del (NM_001389661.1, NM_001371396.1); c.787+854del (NM_001389667.1, NM_001389665.1); short protein forms Q286fs, Q352fs, Q402fs.
Identifiers: ClinVar variation 4992065 (VCV004992065.1).